The following is an entry in ClinVar:

ClinVar aggregate classification (germline): Likely benign. Review status: criteria provided, single submitter (1 of 4 stars). 2 submissions from 2 submitters: Likely benign (1). 1 of the submissions does not count toward it. Last evaluated 2025-04-19.

Conditions:
RAI1-related disorder. Also called: RAI1-related condition.

gnomAD v4.1: 50 of 1,613,828 alleles (0.0031%); highest among the groups gnomAD compares: East Asian, 0.085%; no homozygotes.

Submissions (2):

Labcorp Genetics (formerly Invitae), Labcorp
Classification: Likely benign. Last evaluated: 2025-04-19. Review status: criteria provided, single submitter. Criteria: Invitae Variant Classification Sherloc (09022015). Collection method: clinical testing. Allele origin: germline.

PreventionGenetics, part of Exact Sciences
Classification: Likely benign for RAI1-related condition. Last evaluated: 2023-08-30. Review status: no assertion criteria provided. Collection method: clinical testing. Allele origin: germline. Not counted in ClinVar's aggregate classification.
Comment: This variant is classified as likely benign based on ACMG/AMP sequence variant interpretation guidelines (Richards et al. 2015 PMID: 25741868, with internal and published modifications).

NM_030665.4(RAI1):c.4980G>A (p.Pro1660=)

Gene: RAI1 (retinoic acid induced 1; plus strand). Cytogenetic location: 17p11.2.
Variant type: single nucleotide variant.
Coding change: c.4980G>A on transcript NM_030665.4 (MANE Select); coding-DNA position 4980, G replaced by A.
Protein change: p.Pro1660=; no amino-acid change (proline 1660 retained).
Molecular consequence: synonymous variant.
Genome position (GRCh38, 1-based): chr17:17,797,928, G>A. VCF-style: chr17-17797928-G-A. GRCh37 (hg19) VCF-style: chr17-17701242-G-A.
Other names: c.4980G>A (NM_030665.3).
Identifiers: ClinVar variation 2738873 (VCV002738873.5), dbSNP rs114118087, ClinGen allele CA288371709.